The following is an entry in ClinVar:

ClinVar aggregate classification (germline): Pathogenic (1 of 4 stars; one submission).

Conditions:
Sulfite oxidase deficiency. Also called: Isolated sulfite oxidase deficiency. Identifiers: Orphanet 833, Orphanet 99731, MedGen C0268624, MONDO:0010089, OMIM 272300, HP:0003643.

Submission:

Labcorp Genetics (formerly Invitae), Labcorp
Classification: Pathogenic for Sulfite oxidase deficiency. Last evaluated: 2023-10-24. Review status: criteria provided, single submitter. Criteria: Invitae Variant Classification Sherloc (09022015). Collection method: clinical testing. Allele origin: germline.
Comment: This sequence change creates a premature translational stop signal (p.Tyr515*) in the SUOX gene. While this is not anticipated to result in nonsense mediated decay, it is expected to disrupt the last 31 amino acid(s) of the SUOX protein. This variant is not present in population databases (gnomAD no frequency). This variant has not been reported in the literature in individuals affected with SUOX-related conditions. This variant disrupts a region of the SUOX protein in which other variant(s) (p.Arg529*) have been determined to be pathogenic (PMID: 17940249, 28980090). This suggests that this is a clinically significant region of the protein, and that variants that disrupt it are likely to be disease-causing. For these reasons, this variant has been classified as Pathogenic.

Literature cited by the submitters: PubMed 17940249; PubMed 28980090.

NM_001032386.2(SUOX):c.1545C>G (p.Tyr515Ter)

Gene: SUOX (sulfite oxidase; plus strand). Cytogenetic location: 12q13.2.
Variant type: single nucleotide variant.
Coding change: c.1545C>G on transcript NM_001032386.2 (MANE Select); coding-DNA position 1545, C replaced by G.
Protein change: p.Tyr515Ter; replaces tyrosine 515 with a stop codon.
Molecular consequence: nonsense.
Genome position (GRCh38, 1-based): chr12:56,004,934, C>G. VCF-style: chr12-56004934-C-G. GRCh37 (hg19) VCF-style: chr12-56398718-C-G.
Other names: c.1545C>G, p.Tyr515Ter (NM_000456.3, NM_001032387.2); short protein forms Y515*.
Identifiers: ClinVar variation 2771542 (VCV002771542.3), dbSNP rs2136513432, ClinGen allele CA385298089.